The following is an entry in ClinVar:

ClinVar aggregate classification (germline): Uncertain significance. Review status: criteria provided, multiple submitters, no conflicts (2 of 4 stars). 2 submissions from 2 submitters: Uncertain significance (2). Last evaluated 2023-10-20.

Conditions:
Cardiovascular phenotype. Identifiers: MedGen CN230736.
Sitosterolemia 1. Identifiers: MedGen C2749759, MONDO:0020747, OMIM 210250.

gnomAD v4.1: 4 of 1,614,232 alleles (0.00025%); highest among the groups gnomAD compares: Middle Eastern, 0.016%; no homozygotes.

Submissions (2):

Revvity Omics, Revvity
Classification: Uncertain significance for Sitosterolemia 1. Last evaluated: 2023-10-20. Review status: criteria provided, single submitter. Criteria: ACMG Guidelines, 2015. Collection method: clinical testing. Allele origin: germline.

Ambry Genetics
Classification: Uncertain significance for Cardiovascular phenotype. Last evaluated: 2021-10-16. Review status: criteria provided, single submitter. Criteria: Ambry Variant Classification Scheme 2023. Collection method: clinical testing. Allele origin: germline.
Comment: The p.T178N variant (also known as c.533C>A), located in coding exon 4 of the ABCG8 gene, results from a C to A substitution at nucleotide position 533. The threonine at codon 178 is replaced by asparagine, an amino acid with similar properties. This amino acid position is conserved. In addition, this alteration is predicted to be tolerated by in silico analysis. Since supporting evidence is limited at this time, the clinical significance of this alteration remains unclear.

NM_022437.3(ABCG8):c.533C>A (p.Thr178Asn)

Gene: ABCG8 (ATP binding cassette subfamily G member 8; plus strand). Cytogenetic location: 2p21.
Variant type: single nucleotide variant.
Coding change: c.533C>A on transcript NM_022437.3 (MANE Select); coding-DNA position 533, C replaced by A.
Protein change: p.Thr178Asn; replaces threonine 178 with asparagine.
Molecular consequence: missense variant.
Genome position (GRCh38, 1-based): chr2:43,851,794, C>A. VCF-style: chr2-43851794-C-A. GRCh37 (hg19) VCF-style: chr2-44078933-C-A.
Other names: c.533C>A, p.Thr178Asn (NM_001357321.2); short protein forms T178N.
Identifiers: ClinVar variation 1746920 (VCV001746920.3), dbSNP rs765299706, ClinGen allele CA346665564.